The following is an entry in ClinVar:

NM_001385641.1(SAMD11):c.1380dup (p.Leu462fs)

Gene: SAMD11 (sterile alpha motif domain containing 11; plus strand). Cytogenetic location: 1p36.33.
Variant type: Duplication.
Coding change: c.1380dup on transcript NM_001385641.1 (MANE Select); coding-DNA position 1380, one base duplicated (C; older notation c.1380dupC).
Protein change: p.Leu462fs; shifts the reading frame from leucine 462.
Molecular consequence: frameshift variant.
Genome position (GRCh38, 1-based): chr1:942,157, C duplicated; the last of 6 consecutive C bases (chr1:942,152-942,157); duplicating any one gives the same sequence. VCF-style (leftmost placement, unchanged base first): chr1-942151-G-GC. GRCh37 (hg19) VCF-style: chr1-877531-G-GC.
Other names: c.1383dup, p.Leu463fs (NM_001385640.1); c.891dup, p.Leu299fs (NM_152486.4); short protein forms L463fs, L299fs, L462fs.
Identifiers: ClinVar variation 2185066 (VCV002185066.3), dbSNP rs992574480, ClinGen allele CA520630533.
Genomic context (GRCh38, chr1:942,151, plus strand): 5'-GAACGGGGGCGGGGGGGACGCCGCTCATTGCGCTGCCGTCCACAGGGAGCTGCCTCAGCC[G>GC]CCCCCCTTGCTGTCGCCGCAGAATGCCCCTCACGTCGCCCTGGGCCCCCATCTCAGGCCC-3'

ClinVar aggregate classification (germline): Uncertain significance. Review status: criteria provided, multiple submitters, no conflicts (2 of 4 stars). 2 submissions from 2 submitters: Uncertain significance (2). Last evaluated 2022-11-08.

Submissions (2):

Labcorp Genetics (formerly Invitae), Labcorp
Classification: Uncertain significance. Last evaluated: 2022-11-08. Review status: criteria provided, single submitter. Criteria: Invitae Variant Classification Sherloc (09022015). Collection method: clinical testing. Allele origin: germline.
Comment: In summary, the available evidence is currently insufficient to determine the role of this variant in disease. Therefore, it has been classified as a Variant of Uncertain Significance. This variant has not been reported in the literature in individuals affected with SAMD11-related conditions. The frequency data for this variant in the population databases is considered unreliable, as metrics indicate poor data quality at this position in the gnomAD database. This sequence change creates a premature translational stop signal (p.Leu299Alafs*156) in the SAMD11 gene. It is expected to result in an absent or disrupted protein product. However, the current clinical and genetic evidence is not sufficient to establish whether loss-of-function variants in SAMD11 cause disease.

Blueprint Genetics
Classification: Uncertain significance. Last evaluated: 2019-06-19. Review status: criteria provided, single submitter. Criteria: ACMG Guidelines, 2015. Collection method: clinical testing. Allele origin: germline.